The following is an entry in ClinVar:

ClinVar aggregate classification (germline): Uncertain significance (1 of 4 stars; one submission).

Submission:

Greenwood Genetic Center Diagnostic Laboratories, Greenwood Genetic Center
Classification: Uncertain significance. Last evaluated: 2025-12-12. Review status: criteria provided, single submitter. Criteria: ACMG Guidelines, 2015. Collection method: clinical testing. Allele origin: germline. Affected: yes.
Comment: PM2, PP2, PP3

NM_139318.5(KCNH5):c.1891C>T (p.Arg631Trp)

Gene: KCNH5 (potassium voltage-gated channel subfamily H member 5; minus strand). Cytogenetic location: 14q23.2.
Variant type: single nucleotide variant.
Coding change: c.1891C>T on transcript NM_139318.5 (MANE Select); coding-DNA position 1891, C replaced by T.
Protein change: p.Arg631Trp; replaces arginine 631 with tryptophan.
Molecular consequence: missense variant. On other transcripts: intron variant (1).
Genome position (GRCh38, 1-based): chr14:62,779,856, G>A on the plus strand (C>T on the coding strand, the complement: KCNH5 is on the minus strand). VCF-style: chr14-62779856-G-A. GRCh37 (hg19) VCF-style: chr14-63246574-G-A.
Other names: c.1822+22473C>T (NM_172375.3); short protein forms R631W.
Identifiers: ClinVar variation 4845530 (VCV004845530.1).